The following is an entry in ClinVar:

NM_001267550.2(TTN):c.93968C>T (p.Ala31323Val)

Genes: TTN-AS1 (TTN antisense RNA 1; plus strand), TTN (titin; minus strand). Cytogenetic location: 2q31.2.
Variant type: single nucleotide variant.
Coding change: c.93968C>T on transcript NM_001267550.2 (MANE Select); coding-DNA position 93968, C replaced by T.
Protein change: p.Ala31323Val; replaces alanine 31323 with valine.
Molecular consequence: missense variant.
Genome position (GRCh38, 1-based): chr2:178,547,658, G>A on the plus strand (C>T on the coding strand, the complement: TTN is on the minus strand). VCF-style: chr2-178547658-G-A. GRCh37 (hg19) VCF-style: chr2-179412385-G-A.
Other names: c.86264C>T, p.Ala28755Val (NM_133378.4); c.89045C>T, p.Ala29682Val (NM_001256850.1); c.66773C>T, p.Ala22258Val (NM_003319.4); c.67148C>T, p.Ala22383Val (NM_133432.3); c.67349C>T, p.Ala22450Val (NM_133437.4); short protein forms A31323V, A28755V, A22258V, A22383V, A22450V, A29682V.
Identifiers: ClinVar variation 47538 (VCV000047538.54), dbSNP rs200345129, ClinGen allele CA141292.

ClinVar aggregate classification (germline): Conflicting classifications of pathogenicity. Review status: criteria provided, conflicting classifications (1 of 4 stars). 10 submissions from 10 submitters: Uncertain significance (9); Likely benign (1). Last evaluated 2026-06-23.

Conditions:
TTN-related disorder. Also called: TTN-related condition; TTN-related disease; TTN-related disorders.
Cardiovascular phenotype. Identifiers: MedGen CN230736.
Dilated cardiomyopathy 1G (CMD1G). Identifiers: Orphanet 154, MedGen C1858763, MONDO:0011400, OMIM 604145.
Autosomal recessive limb-girdle muscular dystrophy type 2J (LGMDR10). Also called: Limb-girdle muscular dystrophy, type 2J; MUSCULAR DYSTROPHY, LIMB-GIRDLE, AUTOSOMAL RECESSIVE 10. Identifiers: Orphanet 140922, MedGen C1837342, MONDO:0012127, OMIM 608807.
Myopathy, myofibrillar, 9, with early respiratory failure (MFM9). Also called: Hereditary myopathy with early respiratory failure; Myopathy, distal, with early respiratory failure, autosomal dominant; EDSTROM MYOPATHY; MYOPATHY, PROXIMAL, WITH EARLY RESPIRATORY MUSCLE INVOLVEMENT. Identifiers: Orphanet 178464, Orphanet 34521, MedGen C1863599, MONDO:0011362, OMIM 603689.
Tibial muscular dystrophy (TMD). Also called: Udd Distal Myopathy – Tibial Muscular Dystrophy; Tibial muscular dystrophy, tardive; UDD MYOPATHY. Identifiers: Orphanet 609, MedGen C1838244, MONDO:0010870, OMIM 600334.
Early-onset myopathy with fatal cardiomyopathy (CMYO5). Also called: Salih Myopathy; CONGENITAL MYOPATHY 5 WITH CARDIOMYOPATHY. Identifiers: Orphanet 289377, MedGen C2673677, MONDO:0012714, OMIM 611705. Disease mechanism: loss of function.
Hypertrophic cardiomyopathy 9. Also called: Familial hypertrophic cardiomyopathy 9. Identifiers: MedGen C1861065, MONDO:0013412, OMIM 613765.

Allele frequency attached by ClinVar (database versions not stated): gnomAD 0.00004 and 0.00005; gnomAD exomes 0.00005; ExAC 0.00006; TOPMed 0.00006; ESP Exome Variant Server 0.00033.
gnomAD v4.1: 134 of 1,613,778 alleles (0.0083%); highest among the groups gnomAD compares: Non-Finnish European, 0.011%; no homozygotes.

Submissions (10):

PreventionGenetics, part of Exact Sciences
Classification: Uncertain significance for TTN-related condition. Last evaluated: 2026-06-23. Review status: criteria provided, single submitter. Criteria: ACMG Guidelines, 2015. Collection method: clinical testing. Allele origin: germline.
Comment: The TTN c.93968C>T variant is predicted to result in the amino acid substitution p.Ala31323Val. This variant has been reported as a variant of uncertain significance in an individual with dilated cardiomyopathy (described as p.Ala28755Val in Table S1, Pugh et al. 2014. PubMed ID: 24503780). This variant is reported in 0.0098% of alleles in individuals of European (Non-Finnish) descent in gnomAD. At this time, the clinical significance of this variant is uncertain due to the absence of conclusive functional and genetic evidence.

Women's Health and Genetics/Laboratory Corporation of America, LabCorp
Classification: Uncertain significance. Last evaluated: 2025-07-30. Review status: criteria provided, single submitter. Criteria: LabCorp Variant Classification Summary - May 2015. Collection method: clinical testing. Allele origin: germline.
Comment: Variant summary: TTN c.86264C>T (p.Ala28755Val) results in a non-conservative amino acid change located in the A-band region of the encoded protein sequence. Algorithms developed to predict the effect of missense changes on protein structure and function are either unavailable or do not agree on the potential impact of this missense change. The variant allele was found at a frequency of 8.3e-05 in 1606782 control chromosomes, predominantly at a frequency of 0.00011 within the Non-Finnish European subpopulation in the gnomAD database. This frequency is lower than the maximum estimated for a pathogenic variant in TTN causing Autosomal Recessive Titinopathy (0.00039), allowing no conclusion about variant significance. The variant c.86264C>T has been observed in an individual affected with Dilated Cardiomyopathy (DCM); however, no supportive evidence was provided for causality (Pugh_2014, Mazzarotto_2020). In addition, the variant was also reported in an individual affected with Autosomal Recessive Titinopathy (Harris_2017); however, in this case two co-occurring TTN truncating variants could explain the phenotype. To our knowledge, no experimental evidence demonstrating an impact on protein function has been reported. The following publications have been ascertained in the context of this evaluation (PMID: 24503780, 28716623, 31983221). ClinVar contains an entry for this variant (Variation ID: 47538). Based on the evidence outlined above, the variant was classified as uncertain significance.

Revvity Omics, Revvity
Classification: Uncertain significance. Last evaluated: 2024-12-26. Review status: criteria provided, single submitter. Criteria: ACMG Guidelines, 2015. Collection method: clinical testing. Allele origin: germline.

Blueprint Genetics
Classification: Likely benign. Last evaluated: 2024-10-18. Review status: criteria provided, single submitter. Criteria: ACMG Guidelines, 2015. Collection method: clinical testing. Allele origin: germline.

Fulgent Genetics
Classification: Uncertain significance for Tibial muscular dystrophy; Myopathy, myofibrillar, 9, with early respiratory failure; Dilated cardiomyopathy 1G; Autosomal recessive limb-girdle muscular dystrophy type 2J; Early-onset myopathy with fatal cardiomyopathy; Hypertrophic cardiomyopathy 9. Last evaluated: 2024-04-16. Review status: criteria provided, single submitter. Criteria: ACMG Guidelines, 2015. Collection method: clinical testing. Allele origin: germline.

CeGaT Center for Human Genetics Tuebingen
Classification: Uncertain significance. Last evaluated: 2024-01-01. Review status: criteria provided, single submitter. Criteria: CeGaT Center For Human Genetics Tuebingen Variant Classification Criteria Version 2. Collection method: clinical testing. Allele origin: germline. Affected: yes. Observed: 1 variant allele.
Comment: TTN: PM2, BP4

Ambry Genetics
Classification: Uncertain significance for Cardiovascular phenotype. Last evaluated: 2019-12-05. Review status: criteria provided, single submitter. Criteria: Ambry Variant Classification Scheme 2023. Collection method: clinical testing. Allele origin: germline.
Comment: The p.A22258V variant (also known as c.66773C>T), located in coding exon 166 of the TTN gene, results from a C to T substitution at nucleotide position 66773. The alanine at codon 22258 is replaced by valine, an amino acid with similar properties. This amino acid position is not well conserved in available vertebrate species. In addition, this alteration is predicted to be tolerated by in silico analysis. Since supporting evidence is limited at this time, the clinical significance of this alteration remains unclear.

Eurofins Ntd Llc (ga)
Classification: Uncertain significance. Last evaluated: 2018-05-04. Review status: criteria provided, single submitter. Criteria: EGL ClinVar v180209 classification definitions. Collection method: clinical testing. Allele origin: germline. Observed: 1 variant allele, 1 heterozygote.

Biesecker Lab/Clinical Genomics Section, National Institutes of Health
Classification: Uncertain significance. Last evaluated: 2013-06-24. Review status: criteria provided, single submitter. Criteria: Ng et al. (Circ Cardiovasc Genet. 2013). Collection method: research. Allele origin: unknown. Observed: 1 variant allele. Study: ClinSeq.
Comment: The study set was not selected for affection status in relation to any cancer. Pathogenicity categories were based on literature curation. See Pubmed ID:23861362 for details.

Medical sequencing

Laboratory for Molecular Medicine, Mass General Brigham Personalized Medicine
Classification: Uncertain significance. Last evaluated: 2011-10-11. Review status: criteria provided, single submitter. Criteria: LMM Criteria. Collection method: clinical testing. Allele origin: germline. Observed: 1 variant allele.
Comment: The Ala28755Val variant has not been reported in the literature or previously id entified by our laboratory. Alanine (Ala) at position 28755 is conserved through frog, though fish carries a serine, raising the possibility that a change may b e tolerated. Computational tools are mixed with AlignGVGD predicting benign and SIFT predicting deleterious, though their accuracy is unknown. At this time, add itional data is required to assess the clinical significance of this variant.

Literature cited by the submitters: PubMed 24503780 (cited by Women's Health and Genetics/Laboratory Corporation of America, LabCorp); PubMed 31983221 (cited by Women's Health and Genetics/Laboratory Corporation of America, LabCorp); PubMed 28716623 (cited by Women's Health and Genetics/Laboratory Corporation of America, LabCorp).